The following is an entry in ClinVar:

NM_004655.4(AXIN2):c.2180C>G (p.Ser727Trp)

Gene: AXIN2 (axin 2; minus strand). Cytogenetic location: 17q24.1.
Variant type: single nucleotide variant.
Coding change: c.2180C>G on transcript NM_004655.4 (MANE Select); coding-DNA position 2180, C replaced by G.
Protein change: p.Ser727Trp; replaces serine 727 with tryptophan.
Molecular consequence: missense variant.
Genome position (GRCh38, 1-based): chr17:65,535,683, G>C on the plus strand (C>G on the coding strand, the complement: AXIN2 is on the minus strand). VCF-style: chr17-65535683-G-C. GRCh37 (hg19) VCF-style: chr17-63531801-G-C.
Other names: c.1985C>G, p.Ser662Trp (NM_001363813.1); short protein forms S727W, S662W.
Identifiers: ClinVar variation 4619170 (VCV004619170.1).

ClinVar aggregate classification (germline): Uncertain significance (1 of 4 stars; one submission).

Conditions:
Hereditary cancer-predisposing syndrome. Also called: Neoplastic Syndromes, Hereditary; Tumor predisposition; Hereditary Cancer Syndrome; Hereditary neoplastic syndrome. Identifiers: Orphanet 140162, MedGen C0027672, MeSH D009386, MONDO:0015356.

Submission:

Ambry Genetics
Classification: Uncertain significance for Hereditary cancer-predisposing syndrome. Last evaluated: 2025-09-28. Review status: criteria provided, single submitter. Criteria: Ambry Variant Classification Scheme 2023. Collection method: clinical testing. Allele origin: germline.
Comment: The p.S727W variant (also known as c.2180C>G), located in coding exon 8 of the AXIN2 gene, results from a C to G substitution at nucleotide position 2180. The serine at codon 727 is replaced by tryptophan, an amino acid with highly dissimilar properties. This amino acid position is conserved. In addition, this alteration is predicted to be tolerated by in silico analysis. Based on the available evidence, the clinical significance of this variant remains unclear.